The following is an entry in ClinVar:

NM_000384.3(APOB):c.144C>A (p.His48Gln)

Genes: APOB (apolipoprotein B; minus strand), LOC106560211 (APOB 5' regulatory region; plus strand). Cytogenetic location: 2p24.1.
Variant type: single nucleotide variant.
Coding change: c.144C>A on transcript NM_000384.3 (MANE Select); coding-DNA position 144, C replaced by A.
Protein change: p.His48Gln; replaces histidine 48 with glutamine.
Molecular consequence: missense variant.
Genome position (GRCh38, 1-based): chr2:21,042,454, G>T on the plus strand (C>A on the coding strand, the complement: APOB is on the minus strand). VCF-style: chr2-21042454-G-T. GRCh37 (hg19) VCF-style: chr2-21265326-G-T.
Other names: short protein forms H48Q.
Identifiers: ClinVar variation 2922447 (VCV002922447.3), dbSNP rs1404729103, ClinGen allele CA345965253.

ClinVar aggregate classification (germline): Uncertain significance (1 of 4 stars; one submission).

Conditions:
Hypercholesterolemia, autosomal dominant, type B (FHCL2). Also called: APOB-Related Familial Hypercholesterolemia, Autosomal Dominant; Familial Hypercholesterolemia Type B; APOLIPOPROTEIN B-100, FAMILIAL DEFECTIVE; APOLIPOPROTEIN B-100, FAMILIAL LIGAND-DEFECTIVE; HYPERCHOLESTEROLEMIA, FAMILIAL, DUE TO LIGAND-DEFECTIVE APOLIPOPROTEIN B; Hyperlipoproteinemia Type IIb. Identifiers: MedGen C1704417, MONDO:0007751, OMIM 144010.
Familial hypobetalipoproteinemia 1. Also called: Hypobetalipoproteinemia, normotriglyceridemic; Acanthocytosis with hypobetalipoproteinemia; APOB-Related Familial Hypobetalipoproteinemia. Identifiers: MedGen C4551990, MONDO:0014252, OMIM 615558.

gnomAD v4.1: 6 of 1,614,144 alleles (0.00037%); highest among the groups gnomAD compares: Non-Finnish European, 0.00051%; no homozygotes.

Submission:

Labcorp Genetics (formerly Invitae), Labcorp
Classification: Uncertain significance for Familial hypobetalipoproteinemia 1; Hypercholesterolemia, autosomal dominant, type B. Last evaluated: 2024-01-25. Review status: criteria provided, single submitter. Criteria: Invitae Variant Classification Sherloc (09022015). Collection method: clinical testing. Allele origin: germline.
Comment: This sequence change replaces histidine, which is basic and polar, with glutamine, which is neutral and polar, at codon 48 of the APOB protein (p.His48Gln). This variant is present in population databases (no rsID available, gnomAD 0.0009%). This variant has not been reported in the literature in individuals affected with APOB-related conditions. Advanced modeling of protein sequence and biophysical properties (such as structural, functional, and spatial information, amino acid conservation, physicochemical variation, residue mobility, and thermodynamic stability) performed at Invitae indicates that this missense variant is not expected to disrupt APOB protein function with a negative predictive value of 95%. In summary, the available evidence is currently insufficient to determine the role of this variant in disease. Therefore, it has been classified as a Variant of Uncertain Significance.